The following is an entry in ClinVar:

ClinVar aggregate classification (germline): not provided (0 of 4 stars; one submission).

Conditions:
Normal pregnancy. Identifiers: MedGen C0232989.

Submission:

Institute of Molecular and Cell Biology, University of Tartu
No classification provided. Condition: Normal pregnancy. Review status: no classification provided. Collection method: case-control. Allele origin: unknown. Affected: yes. Study: Kasak2014.
Comment: The study aimed to determine the contribution of copy number variants in the genetic etiology of normal and complicated pregnancies. The samples represented (i) maternal blood DNA drawn from healthy pregnant women during 1st or 2nd trimester and (ii) maternal and paternal blood DNA drawn at term pregnancy cases representing normal and complicated gestations (severe preeclampsia, PE; gestational diabetes, GD; small-for-gestational age newborn, SGA; large-for-gestational age newborn, LGA). We performed CNV calling based on genome-wide genotyping dataset (Illumina HumanOmniExpress-24-v1 BeadChip) by applying three algorithms, QuantiSNP, GADA (Genome Alteration Detection Algorithm) and CNstream in parallel. The acquired CNV calls were merged with HD-CNV (Hotspot Detector for Copy Number Variants) program and only the CNVs predicted by at least two programs, were considered in subsequent analysis.

Literature cited by the submitters: PubMed 25666259.

NC_000010.11:g.132776127_132855959dup

Genes: CFAP46 (cilia and flagella associated protein 46; minus strand), INPP5A (inositol polyphosphate-5-phosphatase A; plus strand), NKX6-2 (NK6 homeobox 2; minus strand). Cytogenetic location: 10q26.3.
Variant type: Duplication.
Identifiers: ClinVar variation 157189 (VCV000157189.2).